The following is an entry in ClinVar:

ClinVar aggregate classification (germline): Uncertain significance. Review status: criteria provided, multiple submitters, no conflicts (2 of 4 stars). 2 submissions from 2 submitters: Uncertain significance (2). Last evaluated 2024-01-08.

Conditions:
Hennekam lymphangiectasia-lymphedema syndrome 2 (HKLLS2). Identifiers: Orphanet 2136, MedGen C4014939, MONDO:0014454, OMIM 616006.
Van Maldergem syndrome 2 (VMLDS2). Identifiers: Orphanet 314679, MedGen C3809875, MONDO:0014242, OMIM 615546.

Allele frequency attached by ClinVar (database versions not stated): gnomAD 0.00001; gnomAD exomes 0.00001 and 0.00002; ExAC 0.00004.
gnomAD v4.1: 14 of 1,613,796 alleles (0.00087%); highest among the groups gnomAD compares: South Asian, 0.0011%; no homozygotes.

Submissions (2):

Fulgent Genetics
Classification: Uncertain significance for Van Maldergem syndrome 2; Hennekam lymphangiectasia-lymphedema syndrome 2. Last evaluated: 2024-01-08. Review status: criteria provided, single submitter. Criteria: ACMG Guidelines, 2015. Collection method: clinical testing. Allele origin: germline.

Labcorp Genetics (formerly Invitae), Labcorp
Classification: Uncertain significance. Last evaluated: 2022-07-06. Review status: criteria provided, single submitter. Criteria: Invitae Variant Classification Sherloc (09022015). Collection method: clinical testing. Allele origin: germline.
Comment: This sequence change replaces threonine, which is neutral and polar, with alanine, which is neutral and non-polar, at codon 2742 of the FAT4 protein (p.Thr2742Ala). This variant is present in population databases (rs774223392, gnomAD 0.004%). This variant has not been reported in the literature in individuals affected with FAT4-related conditions. ClinVar contains an entry for this variant (Variation ID: 1482581). Advanced modeling of protein sequence and biophysical properties (such as structural, functional, and spatial information, amino acid conservation, physicochemical variation, residue mobility, and thermodynamic stability) performed at Invitae indicates that this missense variant is not expected to disrupt FAT4 protein function. Algorithms developed to predict the effect of sequence changes on RNA splicing suggest that this variant may create or strengthen a splice site. In summary, the available evidence is currently insufficient to determine the role of this variant in disease. Therefore, it has been classified as a Variant of Uncertain Significance.

NM_001291303.3(FAT4):c.8230A>G (p.Thr2744Ala)

Gene: FAT4 (FAT atypical cadherin 4; plus strand). Cytogenetic location: 4q28.1.
Variant type: single nucleotide variant.
Coding change: c.8230A>G on transcript NM_001291303.3 (MANE Select); coding-DNA position 8230, A replaced by G.
Protein change: p.Thr2744Ala; replaces threonine 2744 with alanine.
Molecular consequence: missense variant.
Genome position (GRCh38, 1-based): chr4:125,449,240, A>G. VCF-style: chr4-125449240-A-G. GRCh37 (hg19) VCF-style: chr4-126370395-A-G.
Other names: c.8224A>G (NM_024582.5); c.8230A>G, p.Thr2744Ala (NM_001291285.3); c.8224A>G, p.Thr2742Ala (NM_024582.6); short protein forms T2744A, T2742A.
Identifiers: ClinVar variation 1482581 (VCV001482581.7), dbSNP rs774223392, ClinGen allele CA3073331.